The following is an entry in ClinVar:

ClinVar aggregate classification (germline): Uncertain significance (1 of 4 stars; one submission).

Allele frequency attached by ClinVar (database versions not stated): gnomAD exomes below 0.00001; TOPMed 0.00001.
gnomAD v4.1: 1 of 1,614,108 alleles (0.000062%); highest among the groups gnomAD compares: African/African-American, 0.0013%; no homozygotes.

Submission:

Labcorp Genetics (formerly Invitae), Labcorp
Classification: Uncertain significance. Last evaluated: 2021-11-17. Review status: criteria provided, single submitter. Criteria: Invitae Variant Classification Sherloc (09022015). Collection method: clinical testing. Allele origin: germline.
Comment: This sequence change replaces glutamic acid, which is acidic and polar, with glutamine, which is neutral and polar, at codon 806 of the MTTP protein (p.Glu806Gln). This variant is not present in population databases (gnomAD no frequency). This variant has not been reported in the literature in individuals affected with MTTP-related conditions. Algorithms developed to predict the effect of missense changes on protein structure and function are either unavailable or do not agree on the potential impact of this missense change (SIFT: "Tolerated"; PolyPhen-2: "Possibly Damaging"; Align-GVGD: "Class C0"). In summary, the available evidence is currently insufficient to determine the role of this variant in disease. Therefore, it has been classified as a Variant of Uncertain Significance.

NM_001386140.1(MTTP):c.2416G>C (p.Glu806Gln)

Gene: MTTP (microsomal triglyceride transfer protein; plus strand). Cytogenetic location: 4q23.
Variant type: single nucleotide variant.
Coding change: c.2416G>C on transcript NM_001386140.1 (MANE Select); coding-DNA position 2416, G replaced by C.
Protein change: p.Glu806Gln; replaces glutamic acid 806 with glutamine.
Molecular consequence: missense variant.
Genome position (GRCh38, 1-based): chr4:99,621,134, G>C. VCF-style: chr4-99621134-G-C. GRCh37 (hg19) VCF-style: chr4-100542291-G-C.
Other names: c.2416G>C, p.Glu806Gln (NM_000253.4); c.2167G>C, p.Glu723Gln (NM_001300785.2); short protein forms E723Q, E806Q.
Identifiers: ClinVar variation 1349164 (VCV001349164.3), dbSNP rs1726218956, ClinGen allele CA357519620.